The following is an entry in ClinVar:

NM_006904.7(PRKDC):c.6093G>T (p.Leu2031Phe)

Gene: PRKDC (protein kinase, DNA-activated, catalytic subunit; minus strand). Cytogenetic location: 8q11.21.
Variant type: single nucleotide variant.
Coding change: c.6093G>T on transcript NM_006904.7 (MANE Select); coding-DNA position 6093, G replaced by T.
Protein change: p.Leu2031Phe; replaces leucine 2031 with phenylalanine.
Molecular consequence: missense variant.
Genome position (GRCh38, 1-based): chr8:47,859,725, C>A on the plus strand (G>T on the coding strand, the complement: PRKDC is on the minus strand). VCF-style: chr8-47859725-C-A. GRCh37 (hg19) VCF-style: chr8-48772286-C-A.
Other names: c.6093G>T, p.Leu2031Phe (NM_001081640.2); short protein forms L2031F.
Identifiers: ClinVar variation 1751519 (VCV001751519.2), dbSNP rs2551870249, ClinGen allele CA371161366.
Genomic context (GRCh38, chr8:47,859,725, plus strand): 5'-GCTCTGAACTCCGGTTGAGAAATCAAATTGACTCATTTCCTCACTCAGGGTACTGTCTGC[C>A]AAATATGACAGGGAAGACATATAGGAAGGACCATCTGAAATATAAAAAAGGAGAAAATTA-3'
Protein context (NP_008835.5, residues 2021-2041): GPSYMSSLSY[Leu2031Phe]ADSTLSEEMS

ClinVar aggregate classification (germline): Uncertain significance (1 of 4 stars; one submission).

Submission:

Ambry Genetics
Classification: Uncertain significance. Last evaluated: 2021-06-23. Review status: criteria provided, single submitter. Criteria: Ambry Variant Classification Scheme 2023. Collection method: clinical testing. Allele origin: germline.
Comment: The p.L2031F variant (also known as c.6093G>T), located in coding exon 46 of the PRKDC gene, results from a G to T substitution at nucleotide position 6093. The leucine at codon 2031 is replaced by phenylalanine, an amino acid with highly similar properties. This amino acid position is conserved. In addition, this alteration is predicted to be tolerated by in silico analysis. Since supporting evidence is limited at this time, the clinical significance of this alteration remains unclear.